The following is an entry in ClinVar:

NM_001846.4(COL4A2):c.4583A>G (p.Asn1528Ser)

Genes: COL4A2 (collagen type IV alpha 2 chain; plus strand), COL4A2-AS1 (COL4A2 antisense RNA 1; minus strand). Cytogenetic location: 13q34.
Variant type: single nucleotide variant.
Coding change: c.4583A>G on transcript NM_001846.4 (MANE Select); coding-DNA position 4583, A replaced by G.
Protein change: p.Asn1528Ser; replaces asparagine 1528 with serine.
Molecular consequence: missense variant.
Genome position (GRCh38, 1-based): chr13:110,506,595, A>G. VCF-style: chr13-110506595-A-G. GRCh37 (hg19) VCF-style: chr13-111158942-A-G.
Other names: short protein forms N1528S.
Identifiers: ClinVar variation 2305792 (VCV002305792.3), dbSNP rs376782255, ClinGen allele CA256316091.

ClinVar aggregate classification (germline): Uncertain significance. Review status: criteria provided, multiple submitters, no conflicts (2 of 4 stars). 2 submissions from 2 submitters: Uncertain significance (2). Last evaluated 2025-11-12.

Conditions:
Inborn genetic diseases. Identifiers: MedGen C0950123, MeSH D030342.

Allele frequency attached by ClinVar (database versions not stated): gnomAD exomes below 0.00001; TOPMed below 0.00001; gnomAD 0.00001; ESP Exome Variant Server 0.00008.
gnomAD v4.1: 3 of 1,610,738 alleles (0.00019%); highest among the groups gnomAD compares: African/African-American, 0.0013%; no homozygotes.

Submissions (2):

Women's Health and Genetics/Laboratory Corporation of America, LabCorp
Classification: Uncertain significance. Last evaluated: 2025-11-12. Review status: criteria provided, single submitter. Criteria: LabCorp Variant Classification Summary - May 2015. Collection method: clinical testing. Allele origin: germline.
Comment: Variant summary: COL4A2 c.4583A>G (p.Asn1528Ser) results in a conservative amino acid change in the encoded protein sequence. Algorithms developed to predict the effect of missense changes on protein structure and function are either unavailable or do not agree on the potential impact of this missense change. The variant was absent in 242838 control chromosomes. The available data on variant occurrences in the general population are insufficient to allow any conclusion about variant significance. To our knowledge, no occurrence of c.4583A>G in individuals affected with COL4A2-related conditions and no experimental evidence demonstrating its impact on protein function have been reported. ClinVar contains an entry for this variant (Variation ID: 2305792). Based on the evidence outlined above, the variant was classified as uncertain significance.

Ambry Genetics
Classification: Uncertain significance for Inborn genetic diseases. Last evaluated: 2022-08-08. Review status: criteria provided, single submitter. Criteria: Ambry Variant Classification Scheme 2023. Collection method: clinical testing. Allele origin: germline.